The following is an entry in ClinVar:

ClinVar aggregate classification (germline): Pathogenic/Likely pathogenic. Review status: criteria provided, multiple submitters, no conflicts (2 of 4 stars). 4 submissions from 4 submitters: Pathogenic (1); Likely pathogenic (3). Last evaluated 2026-09-16.

Conditions:
Usher syndrome type 1 (USH1). Also called: RETINITIS PIGMENTOSA AND CONGENITAL DEAFNESS. Identifiers: Orphanet 231169, Orphanet 886, MedGen C1568247, MONDO:0010168, OMIM 276900.
Usher syndrome type 1B (USH1B). Also called: Usher syndrome type IB. Identifiers: MedGen C1848638, MONDO:0700087.

Submissions (4):

Myriad Genetics, Inc.
Classification: Likely pathogenic for Usher syndrome type 1. Last evaluated: 2026-09-16. Review status: criteria provided, single submitter. Criteria: Myriad Autosomal Dominant, Autosomal Recessive and X-Linked Classification Criteria (2023). Collection method: clinical testing. Allele origin: unknown.
Comment: NM_000260.3(MYO7A):c.2164G>C(G722R) is a missense variant classified as likely pathogenic in the context of MYO7A-related disorders. Please note that G722R is associated with autosomal dominant nonsyndromic hearing loss. The reproductive risk may be as high as 50%. Carriers may exhibit symptoms. G722R has been observed in cases with relevant disease (PMID: 15121790, 37996878). Relevant functional assessments of this variant are available in the literature (Acharya_2024_(Article)). G722R has not been observed in referenced population frequency databases. In summary, NM_000260.3(MYO7A):c.2164G>C(G722R) is a missense variant that has been observed more frequently in cases with the relevant disease than in healthy populations. Please note: this variant was assessed in the context of healthy population screening.

Natera, Inc.
Classification: Likely pathogenic for Usher syndrome type 1B. Last evaluated: 2025-01-28. Review status: criteria provided, single submitter. Criteria: Natera Variant Classification Schema (03/2026). Collection method: clinical testing. Allele origin: germline.
Comment: The c.2164G>C variant in MYO7A is a missense variant predicted to cause substitution of glycine to arginine at amino acid 722. This variant is rare in the general population with a frequency below the threshold expected for the associated phenotype(s). This variant has been observed in affected individual(s) with monoallelic occurrence (heterozygous/hemizygous) (PMID: 15121790). Computational prediction algorithms indicate this variant is likely to affect gene or protein function. Given the available evidence, this variant is classified as Likely Pathogenic.

Labcorp Genetics (formerly Invitae), Labcorp
Classification: Pathogenic. Last evaluated: 2023-04-25. Review status: criteria provided, single submitter. Criteria: Invitae Variant Classification Sherloc (09022015). Collection method: clinical testing. Allele origin: germline.
Comment: For these reasons, this variant has been classified as Pathogenic. Advanced modeling of protein sequence and biophysical properties (such as structural, functional, and spatial information, amino acid conservation, physicochemical variation, residue mobility, and thermodynamic stability) performed at Invitae indicates that this missense variant is expected to disrupt MYO7A protein function. ClinVar contains an entry for this variant (Variation ID: 1700342). This missense change has been observed in individual(s) with autosomal dominant non-syndromic deafness (PMID: 15121790, 18667942). It has also been observed to segregate with disease in related individuals. This variant is not present in population databases (gnomAD no frequency). This sequence change replaces glycine, which is neutral and non-polar, with arginine, which is basic and polar, at codon 722 of the MYO7A protein (p.Gly722Arg).

GeneDx
Classification: Likely pathogenic. Last evaluated: 2022-02-11. Review status: criteria provided, single submitter. Criteria: GeneDx Variant Classification Process June 2021. Collection method: clinical testing. Allele origin: germline. Affected: yes.
Comment: Not observed at significant frequency in large population cohorts (gnomAD); In silico analysis supports that this missense variant has a deleterious effect on protein structure/function; This variant is associated with the following publications: (PMID: 21378158, 18667942, 16639269, 15121790)

Literature cited by the submitters: PubMed 15121790 (cited by 3 submitters); PubMed 37996878 (cited by Myriad Genetics, Inc.); PubMed 18667942 (cited by Labcorp Genetics (formerly Invitae), Labcorp).

NM_000260.4(MYO7A):c.2164G>C (p.Gly722Arg)

Gene: MYO7A (myosin VIIA; plus strand). Cytogenetic location: 11q13.5.
Variant type: single nucleotide variant.
Coding change: c.2164G>C on transcript NM_000260.4 (MANE Select); coding-DNA position 2164, G replaced by C.
Protein change: p.Gly722Arg; replaces glycine 722 with arginine.
Molecular consequence: missense variant.
Genome position (GRCh38, 1-based): chr11:77,175,441, G>C. VCF-style: chr11-77175441-G-C. GRCh37 (hg19) VCF-style: chr11-76886487-G-C.
Other names: c.2164G>C, p.Gly722Arg (NM_001127180.2); c.2131G>C, p.Gly711Arg (NM_001369365.1); short protein forms G711R, G722R.
Identifiers: ClinVar variation 1700342 (VCV001700342.9), dbSNP rs1954557651, ClinGen allele CA381939739.